The following is an entry in ClinVar:

ClinVar aggregate classification (germline): Uncertain significance (1 of 4 stars; one submission).

gnomAD v4.1: 3 of 1,609,082 alleles (0.00019%); highest among the groups gnomAD compares: Non-Finnish European, 0.00025%; no homozygotes.

Submission:

GeneDx
Classification: Uncertain significance. Last evaluated: 2026-07-22. Review status: criteria provided, single submitter. Criteria: GeneDx Variant Classification Process June 2021. Collection method: clinical testing. Allele origin: germline.
Comment: Reported in an individual with pervasive developmental disorder, selective mutism, hypertelorism, and broad nasal bridge; the variant was inherited from a parent whose clinical status was not provided (PMID: 28191889); Not observed at significant frequency in large population cohorts (gnomAD); Published functional studies suggest a damaging effect through disruption of the N-terminal acetyltransferase A (NatA) complex along with a reduction in activity and thermostability (PMID: 32027362); In silico analysis supports that this missense variant has a deleterious effect on protein structure/function; This variant is associated with the following publications: (PMID: 28990276, 32027362, 37130971, 28191889)

NM_057175.5(NAA15):c.1348A>G (p.Lys450Glu)

Gene: NAA15 (N-alpha-acetyltransferase 15, NatA auxiliary subunit; plus strand). Cytogenetic location: 4q31.1.
Variant type: single nucleotide variant.
Coding change: c.1348A>G on transcript NM_057175.5 (MANE Select); coding-DNA position 1348, A replaced by G.
Protein change: p.Lys450Glu; replaces lysine 450 with glutamic acid.
Molecular consequence: missense variant.
Genome position (GRCh38, 1-based): chr4:139,359,833, A>G. VCF-style: chr4-139359833-A-G. GRCh37 (hg19) VCF-style: chr4-140280987-A-G.
Other names: c.1348A>G, p.Lys450Glu (NM_001410842.1); short protein forms K450E.
Identifiers: ClinVar variation 3780986 (VCV003780986.2).